The following is an entry in ClinVar:

ClinVar aggregate classification (germline): Pathogenic/Likely pathogenic. Review status: criteria provided, multiple submitters, no conflicts (2 of 4 stars). 2 submissions from 2 submitters: Pathogenic (1); Likely pathogenic (1). Last evaluated 2023-06-17.

Conditions:
COL2A1-related disorder. Also called: COL2A1-related condition; COL2A1-related disorders.

Submissions (2):

Labcorp Genetics (formerly Invitae), Labcorp
Classification: Pathogenic. Last evaluated: 2023-06-17. Review status: criteria provided, single submitter. Criteria: Invitae Variant Classification Sherloc (09022015). Collection method: clinical testing. Allele origin: germline.
Comment: This sequence change creates a premature translational stop signal (p.Arg53Leufs*2) in the COL2A1 gene. It is expected to result in an absent or disrupted protein product. Loss-of-function variants in COL2A1 are known to be pathogenic (PMID: 20179744). For these reasons, this variant has been classified as Pathogenic. Algorithms developed to predict the effect of sequence changes on RNA splicing suggest that this variant may disrupt the consensus splice site. This variant has not been reported in the literature in individuals affected with COL2A1-related conditions. This variant is not present in population databases (gnomAD no frequency).

Blueprint Genetics
Classification: Likely pathogenic for COL2A1-related disorders. Last evaluated: 2021-04-09. Review status: criteria provided, single submitter. Criteria: ACMG Guidelines, 2015. Collection method: clinical testing. Allele origin: germline. Affected: yes. Observed: 1 variant allele.

Literature cited by the submitters: PubMed 20179744 (cited by Labcorp Genetics (formerly Invitae), Labcorp).

NM_001844.5(COL2A1):c.156_166del (p.Arg53fs)

Gene: COL2A1 (collagen type II alpha 1 chain; minus strand). Cytogenetic location: 12q13.11.
Variant type: Deletion.
Coding change: c.156_166del on transcript NM_001844.5 (MANE Select); coding-DNA positions 156 to 166, 11 bases deleted (CCGGATCTGTG).
Protein change: p.Arg53fs; shifts the reading frame from arginine 53.
Molecular consequence: frameshift variant. On other transcripts: intron variant (1).
Genome position (GRCh38, 1-based): chr12:48,000,045-48,000,055, CACAGATCCGG deleted on the plus strand (CCGGATCTGTG on the coding strand, the reverse complement: COL2A1 is on the minus strand); deleting any 11 consecutive bases within chr12:48,000,045-48,000,057 gives the same sequence; the c. name uses the placement nearest the transcript's 3' end. VCF-style (leftmost placement, unchanged base first): chr12-48000044-ACACAGATCCGG-A. GRCh37 (hg19) VCF-style: chr12-48393827-ACACAGATCCGG-A.
Other names: c.86-1624_86-1614del (NM_033150.3); short protein forms R53fs.
Identifiers: ClinVar variation 2859239 (VCV002859239.4), dbSNP rs2540187694, ClinGen allele CA2739271990.